The following is an entry in ClinVar:

NM_001018115.3(FANCD2):c.1336C>G (p.Leu446Val)

Genes: FANCD2 (FA complementation group D2; plus strand), LOC107303338 (3p25 FANCD2 Alu-mediated recombination region; plus strand). Cytogenetic location: 3p25.3.
Variant type: single nucleotide variant.
Coding change: c.1336C>G on transcript NM_001018115.3 (MANE Select); coding-DNA position 1336, C replaced by G.
Protein change: p.Leu446Val; replaces leucine 446 with valine.
Molecular consequence: missense variant.
Genome position (GRCh38, 1-based): chr3:10,047,974, C>G. VCF-style: chr3-10047974-C-G. GRCh37 (hg19) VCF-style: chr3-10089658-C-G.
Other names: c.1336C>G, p.Leu446Val (NM_001319984.2, NM_001374253.1, NM_001374254.1 and 1 more transcripts); short protein forms L446V.
Identifiers: ClinVar variation 257066 (VCV000257066.32), dbSNP rs34557223, ClinGen allele CA2249610.

ClinVar aggregate classification (germline): Benign/Likely benign. Review status: criteria provided, multiple submitters, no conflicts (2 of 4 stars). 7 submissions from 7 submitters: Benign (3); Likely benign (4). Last evaluated 2026-07-01.

Conditions:
Fanconi anemia (FA). Also called: Fanconi's anemia. Identifiers: Orphanet 84, MedGen C0015625, MeSH D005199, MONDO:0019391.
Fanconi anemia complementation group D2. Also called: FANCD2-Related Fanconi Anemia; FANCONI PANCYTOPENIA, TYPE 4; FANCONI ANEMIA, COMPLEMENTATION GROUP D. Identifiers: Orphanet 84, MedGen C3160738, MONDO:0009214, OMIM 227646.

Allele frequency attached by ClinVar (database versions not stated): gnomAD exomes 0.00029 and 0.00073; ExAC 0.00092; gnomAD 0.00295 and 0.00316; 1000 Genomes Project 0.00319; ESP Exome Variant Server 0.00361; 1000 Genomes Project 30x 0.00390.

Submissions (7):

CeGaT Center for Human Genetics Tuebingen
Classification: Likely benign. Last evaluated: 2026-07-01. Review status: criteria provided, single submitter. Criteria: CeGaT Center For Human Genetics Tuebingen Variant Classification Criteria Version 2. Collection method: clinical testing. Allele origin: germline. Affected: yes. Observed: 3 variant alleles.
Comment: FANCD2: BP4, BS1

Blueprint Genetics
Classification: Likely benign. Last evaluated: 2024-11-18. Review status: criteria provided, single submitter. Criteria: ACMG Guidelines, 2015. Collection method: clinical testing. Allele origin: germline.

ARUP Laboratories, Molecular Genetics and Genomics, ARUP Laboratories
Classification: Benign for Fanconi anemia complementation group D2. Last evaluated: 2024-03-25. Review status: criteria provided, single submitter. Criteria: ARUP Molecular Germline Variant Investigation Process 2024. Collection method: clinical testing. Allele origin: germline.

Labcorp Genetics (formerly Invitae), Labcorp
Classification: Benign for Fanconi anemia. Last evaluated: 2023-08-17. Review status: criteria provided, single submitter. Criteria: Invitae Variant Classification Sherloc (09022015). Collection method: clinical testing. Allele origin: germline.

GeneDx
Classification: Likely benign. Last evaluated: 2021-05-13. Review status: criteria provided, single submitter. Criteria: GeneDx Variant Classification Process June 2021. Collection method: clinical testing. Allele origin: germline. Affected: yes.

Illumina Laboratory Services, Illumina
Classification: Likely benign for Fanconi anemia complementation group D2. Last evaluated: 2018-01-12. Review status: criteria provided, single submitter. Criteria: ICSL Variant Classification Criteria 13 December 2019. Collection method: clinical testing. Allele origin: germline.
Comment: This variant was observed in the ICSL laboratory as part of a predisposition screen in an ostensibly healthy population. It had not been previously curated by ICSL or reported in the Human Gene Mutation Database (HGMD: prior to June 1st, 2018), and was therefore a candidate for classification through an automated scoring system. Utilizing variant allele frequency, disease prevalence and penetrance estimates, and inheritance mode, an automated score was calculated to assess if this variant is too frequent to cause the disease. Based on the score and internal cut-off values, a variant classified as likely benign is not then subjected to further curation. The score for this variant resulted in a classification of likely benign for this disease.

PreventionGenetics, part of Exact Sciences
Classification: Benign. Review status: criteria provided, single submitter. Criteria: ACMG Guidelines, 2015. Collection method: clinical testing. Allele origin: germline.